The following is an entry in ClinVar:

NM_001089.3(ABCA3):c.1930G>A (p.Glu644Lys)

Gene: ABCA3 (ATP binding cassette subfamily A member 3; minus strand). Cytogenetic location: 16p13.3.
Variant type: single nucleotide variant.
Coding change: c.1930G>A on transcript NM_001089.3 (MANE Select); coding-DNA position 1930, G replaced by A.
Protein change: p.Glu644Lys; replaces glutamic acid 644 with lysine.
Molecular consequence: missense variant.
Genome position (GRCh38, 1-based): chr16:2,297,888, C>T on the plus strand (G>A on the coding strand, the complement: ABCA3 is on the minus strand). VCF-style: chr16-2297888-C-T. GRCh37 (hg19) VCF-style: chr16-2347889-C-T.
Other names: short protein forms E644K.
Identifiers: ClinVar variation 3513716 (VCV003513716.4).

ClinVar aggregate classification (germline): Uncertain significance. Review status: criteria provided, multiple submitters, no conflicts (2 of 4 stars). 2 submissions from 2 submitters: Uncertain significance (2). Last evaluated 2025-06-20.

Conditions:
Hereditary pulmonary alveolar proteinosis. Also called: Pulmonary surfactant metabolism dysfunction. Identifiers: Orphanet 264675, MedGen C3711368, MONDO:0012580.

gnomAD v4.1: 19 of 1,613,730 alleles (0.0012%); highest among the groups gnomAD compares: African/African-American, 0.019%; no homozygotes.

Submissions (2):

Ambry Genetics
Classification: Uncertain significance for Hereditary pulmonary alveolar proteinosis. Last evaluated: 2025-06-20. Review status: criteria provided, single submitter. Criteria: Ambry Variant Classification Scheme 2023. Collection method: clinical testing. Allele origin: germline.
Comment: The p.E644K variant (also known as c.1930G>A), located in coding exon 13 of the ABCA3 gene, results from a G to A substitution at nucleotide position 1930. The glutamic acid at codon 644 is replaced by lysine, an amino acid with similar properties. This amino acid position is conserved. In addition, this alteration is predicted to be deleterious by in silico analysis. Based on the available evidence, the clinical significance of this variant remains unclear.

Labcorp Genetics (formerly Invitae), Labcorp
Classification: Uncertain significance. Last evaluated: 2024-08-02. Review status: criteria provided, single submitter. Criteria: Invitae Variant Classification Sherloc (09022015). Collection method: clinical testing. Allele origin: germline.
Comment: This sequence change replaces glutamic acid, which is acidic and polar, with lysine, which is basic and polar, at codon 644 of the ABCA3 protein (p.Glu644Lys). This variant is present in population databases (rs750813473, gnomAD 0.02%). This variant has not been reported in the literature in individuals affected with ABCA3-related conditions. Advanced modeling of protein sequence and biophysical properties (such as structural, functional, and spatial information, amino acid conservation, physicochemical variation, residue mobility, and thermodynamic stability) performed at Invitae indicates that this missense variant is not expected to disrupt ABCA3 protein function with a negative predictive value of 80%. In summary, the available evidence is currently insufficient to determine the role of this variant in disease. Therefore, it has been classified as a Variant of Uncertain Significance.